The following is an entry in ClinVar:

ClinVar aggregate classification (germline): Conflicting classifications of pathogenicity. Review status: criteria provided, conflicting classifications (1 of 4 stars). 5 submissions from 5 submitters: Uncertain significance (4); Likely benign (1). Last evaluated 2026-08-01.

Conditions:
ARL13B-related disorder. Also called: ARL13B-related condition.
Inborn genetic diseases. Identifiers: MedGen C0950123, MeSH D030342.
Joubert syndrome 8 (JBTS8). Identifiers: Orphanet 475, MedGen C2676771, MONDO:0012855, OMIM 612291.

Allele frequency attached by ClinVar (database versions not stated): gnomAD exomes 0.00014; ExAC 0.00017; ESP Exome Variant Server 0.00023; gnomAD 0.00029 and 0.00031; 1000 Genomes Project 0.00040; TOPMed 0.00043; 1000 Genomes Project 30x 0.00047.
gnomAD v4.1: 143 of 1,613,216 alleles (0.0089%); highest among the groups gnomAD compares: African/African-American, 0.099%; no homozygotes.

Submissions (5):

GeneDx
Classification: Uncertain significance. Last evaluated: 2026-08-01. Review status: criteria provided, single submitter. Criteria: GeneDx Variant Classification Process June 2021. Collection method: clinical testing. Allele origin: germline.
Comment: Reported heterozygous in an individual with a neurodevelopmental disorder who was also found to have a pathogenic variant in a different gene that explained the phenotype (PMID: 33628804); In silico analysis suggests that this missense variant does not alter protein structure/function; This variant is associated with the following publications: (PMID: 33628804)

PreventionGenetics, part of Exact Sciences
Classification: Uncertain significance for ARL13B-related condition. Last evaluated: 2026-03-26. Review status: criteria provided, single submitter. Criteria: ACMG Guidelines, 2015. Collection method: clinical testing. Allele origin: germline.
Comment: The ARL13B c.106G>A variant is predicted to result in the amino acid substitution p.Ala36Thr. To our knowledge, this variant has not been reported in the literature. This variant is reported in 0.096% of alleles in individuals of African descent in gnomAD. Although we suspect that this variant may be benign, at this time, the clinical significance of this variant is uncertain due to the absence of conclusive functional and genetic evidence.

Ambry Genetics
Classification: Likely benign for Inborn genetic diseases. Last evaluated: 2024-09-04. Review status: criteria provided, single submitter. Criteria: Ambry Variant Classification Scheme 2023. Collection method: clinical testing. Allele origin: germline.

Fulgent Genetics
Classification: Uncertain significance for Joubert syndrome 8. Last evaluated: 2024-03-29. Review status: criteria provided, single submitter. Criteria: ACMG Guidelines, 2015. Collection method: clinical testing. Allele origin: germline.

Labcorp Genetics (formerly Invitae), Labcorp
Classification: Uncertain significance for Joubert syndrome 8. Last evaluated: 2024-01-08. Review status: criteria provided, single submitter. Criteria: Invitae Variant Classification Sherloc (09022015). Collection method: clinical testing. Allele origin: germline.
Comment: This sequence change replaces alanine, which is neutral and non-polar, with threonine, which is neutral and polar, at codon 36 of the ARL13B protein (p.Ala36Thr). This variant is present in population databases (rs139780924, gnomAD 0.1%). This variant has not been reported in the literature in individuals affected with ARL13B-related conditions. ClinVar contains an entry for this variant (Variation ID: 419776). Advanced modeling of protein sequence and biophysical properties (such as structural, functional, and spatial information, amino acid conservation, physicochemical variation, residue mobility, and thermodynamic stability) performed at Invitae indicates that this missense variant is not expected to disrupt ARL13B protein function with a negative predictive value of 80%. In summary, the available evidence is currently insufficient to determine the role of this variant in disease. Therefore, it has been classified as a Variant of Uncertain Significance.

NM_001174150.2(ARL13B):c.106G>A (p.Ala36Thr)

Gene: ARL13B (ARF like GTPase 13B; plus strand). Cytogenetic location: 3q11.1.
Variant type: single nucleotide variant.
Coding change: c.106G>A on transcript NM_001174150.2 (MANE Select); coding-DNA position 106, G replaced by A.
Protein change: p.Ala36Thr; replaces alanine 36 with threonine.
Molecular consequence: missense variant. On other transcripts: 5 prime UTR variant (1), non-coding transcript variant (2), intron variant (2).
Genome position (GRCh38, 1-based): chr3:93,995,920, G>A. VCF-style: chr3-93995920-G-A. GRCh37 (hg19) VCF-style: chr3-93714764-G-A.
Other names: c.-62G>A (NM_001321328.2); c.106G>A, p.Ala36Thr (NM_182896.3); c.-179-7739G>A (NM_001174151.2); c.59+15438G>A (NM_144996.4); short protein forms A36T.
Identifiers: ClinVar variation 419776 (VCV000419776.13), dbSNP rs139780924, ClinGen allele CA2503760.
Genomic context (GRCh38, chr3:93,995,920, plus strand): 5'-TCTATTATTTTAAGAAAGGTGACTCTTTTGATGGTGGGACTTGATAATGCTGGTAAAACC[G>A]CAACAGCAAAGGGAATCCAAGGAGGTAAGCTGAAAACATTTATGTGCTTTCTGAACTCTA-3'
Protein context (NP_001167621.1, residues 26-46): MVGLDNAGKT[Ala36Thr]TAKGIQGEYP